The following is an entry in ClinVar:

ClinVar aggregate classification (germline): Benign/Likely benign. Review status: criteria provided, multiple submitters, no conflicts (2 of 4 stars). 5 submissions from 5 submitters: Benign (4); Likely benign (1). Last evaluated 2024-11-27.

Conditions:
Fraser syndrome 2 (FRASRS2). Identifiers: MedGen C4540036, MONDO:0054738, OMIM 617666.

Allele frequency attached by ClinVar (database versions not stated): ESP Exome Variant Server 0.00231; 1000 Genomes Project 0.09185; 1000 Genomes Project 30x 0.09635; gnomAD 0.10599 and 0.10622; gnomAD exomes 0.11577; ExAC 0.11722; TOPMed 0.11825.
gnomAD v4.1: 185,055 of 1,613,254 alleles (11%); highest among the groups gnomAD compares: Admixed American, 28%; 12,565 homozygotes.

Submissions (5):

Blueprint Genetics
Classification: Likely benign. Last evaluated: 2024-11-27. Review status: criteria provided, single submitter. Criteria: ACMG Guidelines, 2015. Collection method: clinical testing. Allele origin: germline.

Mayo Clinic Laboratories, Mayo Clinic
Classification: Benign. Last evaluated: 2022-03-09. Review status: criteria provided, single submitter. Criteria: ACMG Guidelines, 2015. Collection method: clinical testing. Allele origin: germline. Observed: 13 variant alleles.

GeneDx
Classification: Benign. Last evaluated: 2020-01-20. Review status: criteria provided, single submitter. Criteria: GeneDx Variant Classification Process June 2021. Collection method: clinical testing. Allele origin: germline. Affected: yes.

Illumina Laboratory Services, Illumina
Classification: Benign for Fraser syndrome 2. Last evaluated: 2018-01-13. Review status: criteria provided, single submitter. Criteria: ICSL Variant Classification Criteria 13 December 2019. Collection method: clinical testing. Allele origin: germline.
Comment: This variant was observed in the ICSL laboratory as part of a predisposition screen in an ostensibly healthy population. It had not been previously curated by ICSL or reported in the Human Gene Mutation Database (HGMD: prior to June 1st, 2018), and was therefore a candidate for classification through an automated scoring system. Utilizing variant allele frequency, disease prevalence and penetrance estimates, and inheritance mode, an automated score was calculated to assess if this variant is too frequent to cause the disease. Based on the score and internal cut-off values, a variant classified as benign is not then subjected to further curation. The score for this variant resulted in a classification of benign for this disease.

Breakthrough Genomics
Classification: Benign. Review status: criteria provided, single submitter. Criteria: ACMG Guidelines, 2015. Collection method: not provided. Allele origin: germline. Inheritance: Autosomal recessive inheritance. Affected: yes.

NM_207361.6(FREM2):c.6458C>G (p.Thr2153Ser)

Gene: FREM2 (FRAS1 related extracellular matrix 2; plus strand). Cytogenetic location: 13q13.3.
Variant type: single nucleotide variant.
Coding change: c.6458C>G on transcript NM_207361.6 (MANE Select); coding-DNA position 6458, C replaced by G.
Protein change: p.Thr2153Ser; replaces threonine 2153 with serine.
Molecular consequence: missense variant.
Genome position (GRCh38, 1-based): chr13:38,850,116, C>G. VCF-style: chr13-38850116-C-G. GRCh37 (hg19) VCF-style: chr13-39424253-C-G.
Other names: p.Thr2153Ser; short protein forms T2153S.
Identifiers: ClinVar variation 312008 (VCV000312008.10), dbSNP rs9548506, ClinGen allele CA6955571.
Genomic context (GRCh38, chr13:38,850,116, plus strand): 5'-AAGAACGAATATATACTGGCAGCGAAAGTGATGGGCAGATAGTTACAATGATCCATAGGA[C>G]TGGGGATGTCCAGTACAGATCTTCAGTGAGATGCTACACCCGGCAGGGGTCTGCACAGGT-3'
Protein context (NP_997244.4, residues 2143-2163): DGQIVTMIHR[Thr2153Ser]GDVQYRSSVR